The following is an entry in ClinVar:

NM_052947.4(ALPK2):c.6242T>C (p.Met2081Thr)

Gene: ALPK2 (alpha kinase 2; minus strand). Cytogenetic location: 18q21.31.
Variant type: single nucleotide variant.
Coding change: c.6242T>C on transcript NM_052947.4 (MANE Select); coding-DNA position 6242, T replaced by C.
Protein change: p.Met2081Thr; replaces methionine 2081 with threonine.
Molecular consequence: missense variant.
Genome position (GRCh38, 1-based): chr18:58,503,936, A>G on the plus strand (T>C on the coding strand, the complement: ALPK2 is on the minus strand). VCF-style: chr18-58503936-A-G. GRCh37 (hg19) VCF-style: chr18-56171168-A-G.
Other names: short protein forms M2081T.
Identifiers: ClinVar variation 2450839 (VCV002450839.2), dbSNP rs776752041, ClinGen allele CA8976228.

ClinVar aggregate classification (germline): Uncertain significance (1 of 4 stars; one submission).

Allele frequency attached by ClinVar (database versions not stated): gnomAD exomes below 0.00001; TOPMed below 0.00001; ExAC 0.00001; gnomAD 0.00001.
gnomAD v4.1: 9 of 1,612,662 alleles (0.00056%); highest among the groups gnomAD compares: Admixed American, 0.0017%; no homozygotes.

Submission:

Ambry Genetics
Classification: Uncertain significance. Last evaluated: 2023-01-04. Review status: criteria provided, single submitter. Criteria: Ambry Variant Classification Scheme 2023. Collection method: clinical testing. Allele origin: germline.
Comment: The p.M2081T variant (also known as c.6242T>C), located in coding exon 10 of the ALPK2 gene, results from a T to C substitution at nucleotide position 6242. The methionine at codon 2081 is replaced by threonine, an amino acid with similar properties. This amino acid position is conserved. In addition, the in silico prediction for this alteration is inconclusive. Since supporting evidence is limited at this time, the clinical significance of this alteration remains unclear.